The following is an entry in ClinVar:

ClinVar aggregate classification (germline): Uncertain significance. Review status: criteria provided, multiple submitters, no conflicts (2 of 4 stars). 5 submissions from 4 submitters: Uncertain significance (5). Last evaluated 2025-09-25.

Conditions:
Inborn genetic diseases. Identifiers: MedGen C0950123, MeSH D030342.
Citrin deficiency. Identifiers: Orphanet 247582, MedGen C1997910, MONDO:0016602.
Citrullinemia type II. Also called: Citrullinemia Type II (CTLN2). Identifiers: Orphanet 247585, MedGen C1863844, MONDO:0016603.
Neonatal intrahepatic cholestasis due to citrin deficiency (CDNI). Also called: Neonatal-onset citrullinemia type II; Neonatal-onset citrullinemia type 2; CITRIN DEFICIENCY, NEONATAL OR INFANTILE ONSET; Neonatal Intrahepatic Cholestasis Caused by Citrin Deficiency (NICCD). Identifiers: Orphanet 247598, MedGen C1853942, MONDO:0011601, OMIM 605814.

Allele frequency attached by ClinVar (database versions not stated): gnomAD 0.00004 and 0.00005; 1000 Genomes Project 0.00020; 1000 Genomes Project 30x 0.00016; TOPMed 0.00004.
gnomAD v4.1: 38 of 1,614,192 alleles (0.0024%); highest among the groups gnomAD compares: South Asian, 0.011%; no homozygotes.

Submissions (5):

Labcorp Genetics (formerly Invitae), Labcorp
Classification: Uncertain significance for Citrin deficiency. Last evaluated: 2025-09-25. Review status: criteria provided, single submitter. Criteria: Invitae Variant Classification Sherloc (09022015). Collection method: clinical testing. Allele origin: germline.
Comment: This sequence change replaces aspartic acid, which is acidic and polar, with asparagine, which is neutral and polar, at codon 423 of the SLC25A13 protein (p.Asp423Asn). This variant is present in population databases (rs553863381, gnomAD 0.01%). This variant has not been reported in the literature in individuals affected with SLC25A13-related conditions. ClinVar contains an entry for this variant (Variation ID: 587600). Invitae Evidence Modeling of protein sequence and biophysical properties (such as structural, functional, and spatial information, amino acid conservation, physicochemical variation, residue mobility, and thermodynamic stability) indicates that this missense variant is not expected to disrupt SLC25A13 protein function with a negative predictive value of 80%. In summary, the available evidence is currently insufficient to determine the role of this variant in disease. Therefore, it has been classified as a Variant of Uncertain Significance.

Ambry Genetics
Classification: Uncertain significance for Inborn genetic diseases. Last evaluated: 2023-08-21. Review status: criteria provided, single submitter. Criteria: Ambry Variant Classification Scheme 2023. Collection method: clinical testing. Allele origin: germline.

Eurofins Ntd Llc (ga)
Classification: Uncertain significance. Last evaluated: 2018-09-18. Review status: criteria provided, single submitter. Criteria: EGL ClinVar v180209 classification definitions. Collection method: clinical testing. Allele origin: germline. Observed: 1 variant allele, 1 heterozygote.

Genomic Research Center, Shahid Beheshti University of Medical Sciences
Classification: Uncertain significance for Citrullinemia type II. Last evaluated: 2018-08-07. Review status: criteria provided, single submitter. Criteria: ACMG Guidelines, 2015. Collection method: clinical testing. Allele origin: inherited. Affected: no. Observed: 1 variant allele.

Genomic Research Center, Shahid Beheshti University of Medical Sciences
Classification: Uncertain significance for Neonatal intrahepatic cholestasis caused by citrin deficiency. Last evaluated: 2018-08-07. Review status: criteria provided, single submitter. Criteria: ACMG Guidelines, 2015. Collection method: clinical testing. Allele origin: inherited. Affected: no. Observed: 1 variant allele.

NM_014251.3(SLC25A13):c.1267G>A (p.Asp423Asn)

Gene: SLC25A13 (solute carrier family 25 member 13; minus strand). Cytogenetic location: 7q21.3.
Variant type: single nucleotide variant.
Coding change: c.1267G>A on transcript NM_014251.3 (MANE Select); coding-DNA position 1267, G replaced by A.
Protein change: p.Asp423Asn; replaces aspartic acid 423 with asparagine.
Molecular consequence: missense variant. On other transcripts: non-coding transcript variant (1).
Genome position (GRCh38, 1-based): chr7:96,170,089, C>T on the plus strand (G>A on the coding strand, the complement: SLC25A13 is on the minus strand). VCF-style: chr7-96170089-C-T. GRCh37 (hg19) VCF-style: chr7-95799401-C-T.
Other names: c.1270G>A, p.Asp424Asn (NM_001160210.2); short protein forms D423N, D424N.
Identifiers: ClinVar variation 587600 (VCV000587600.14), dbSNP rs553863381, ClinGen allele CA4352976.